The following is an entry in ClinVar:

ClinVar aggregate classification (germline): Likely pathogenic. Review status: criteria provided, multiple submitters, no conflicts (2 of 4 stars). 2 submissions from 2 submitters: Likely pathogenic (2). Last evaluated 2024-04-02.

Conditions:
Familial focal epilepsy with variable foci (FPEVF). Identifiers: Orphanet 98820, MedGen C1858477, MONDO:0020310.

Submissions (2):

GeneDx
Classification: Likely pathogenic. Last evaluated: 2024-04-02. Review status: criteria provided, single submitter. Criteria: GeneDx Variant Classification Process June 2021. Collection method: clinical testing. Allele origin: germline. Affected: yes.
Comment: Reported in a patient with focal epilepsy (PMID: 31377847); Not observed at significant frequency in large population cohorts (gnomAD); Canonical splice site variant predicted to result in a null allele in a gene for which loss of function is a known mechanism of disease; This variant is associated with the following publications: (PMID: 31377847)

Labcorp Genetics (formerly Invitae), Labcorp
Classification: Likely pathogenic for Familial focal epilepsy with variable foci. Last evaluated: 2020-08-08. Review status: criteria provided, single submitter. Criteria: Invitae Variant Classification Sherloc (09022015). Collection method: clinical testing. Allele origin: germline.
Comment: Donor and acceptor splice site variants typically lead to a loss of protein function (PMID: 16199547), and loss-of-function variants in DEPDC5 are known to be pathogenic (PMID: 23542697, 23542701). This variant has not been reported in the literature in individuals with DEPDC5-related conditions. This variant is not present in population databases (ExAC no frequency). This sequence change affects a donor splice site in intron 19 of the DEPDC5 gene. It is expected to disrupt RNA splicing and likely results in an absent or disrupted protein product. In summary, the currently available evidence indicates that the variant is pathogenic, but additional data are needed to prove that conclusively. Therefore, this variant has been classified as Likely Pathogenic.

Literature cited by the submitters: PubMed 16199547 (cited by Labcorp Genetics (formerly Invitae), Labcorp); PubMed 23542697 (cited by Labcorp Genetics (formerly Invitae), Labcorp); PubMed 23542701 (cited by Labcorp Genetics (formerly Invitae), Labcorp).

NM_001242896.3(DEPDC5):c.1324+1G>A

Gene: DEPDC5 (DEP domain containing 5, GATOR1 subcomplex subunit; plus strand). Cytogenetic location: 22q12.3.
Variant type: single nucleotide variant.
Coding change: c.1324+1G>A on transcript NM_001242896.3 (MANE Select); the canonical splice donor site of the intron after coding-DNA position 1324, G replaced by A.
Molecular consequence: splice donor variant.
Genome position (GRCh38, 1-based): chr22:31,809,648, G>A. VCF-style: chr22-31809648-G-A. GRCh37 (hg19) VCF-style: chr22-32205634-G-A.
Other names: c.1324+1G>A (NM_001364318.2, NM_001136029.4, NM_014662.6 and 7 more transcripts); c.1240+1G>A (NM_001369902.1, NM_001369901.1).
Identifiers: ClinVar variation 1067074 (VCV001067074.8), dbSNP rs2088011240, ClinGen allele CA411276558.